The following is an entry in ClinVar:

NM_001123385.2(BCOR):c.179C>T (p.Thr60Met)

Gene: BCOR (BCL6 corepressor; minus strand). Cytogenetic location: Xp11.4.
Variant type: single nucleotide variant.
Coding change: c.179C>T on transcript NM_001123385.2 (MANE Select); coding-DNA position 179, C replaced by T.
Protein change: p.Thr60Met; replaces threonine 60 with methionine.
Molecular consequence: missense variant.
Genome position (GRCh38, 1-based): chrX:40,075,167, G>A on the plus strand (C>T on the coding strand, the complement: BCOR is on the minus strand). VCF-style: chrX-40075167-G-A. GRCh37 (hg19) VCF-style: chrX-39934420-G-A.
Other names: c.179C>T, p.Thr60Met (NM_001123383.2, NM_001123384.2, NM_017745.6); short protein forms T60M.
Identifiers: ClinVar variation 1168977 (VCV001168977.33), dbSNP rs202121665, ClinGen allele CA10387078.

ClinVar aggregate classification (germline): Benign/Likely benign. Review status: criteria provided, multiple submitters, no conflicts (2 of 4 stars). 4 submissions from 4 submitters: Benign (1); Likely benign (2). 1 of the submissions does not count toward it. Last evaluated 2026-04-01.

Conditions:
Oculofaciocardiodental syndrome (MCOPS2). Identifiers: Orphanet 2712, MedGen C1846265, MONDO:0010261, OMIM 300166.
BCOR-related disorder. Also called: BCOR-related disorders; BCOR-related condition.

Allele frequency attached by ClinVar (database versions not stated): gnomAD 0.00004; TOPMed 0.00004; ESP Exome Variant Server 0.00009; gnomAD exomes 0.00015; ExAC 0.00026.
gnomAD v4.1: 107 of 1,205,399 alleles (0.0089%); highest among the groups gnomAD compares: Non-Finnish European, 0.011%; no homozygotes.

Submissions (4):

CeGaT Center for Human Genetics Tuebingen
Classification: Likely benign. Last evaluated: 2026-04-01. Review status: criteria provided, single submitter. Criteria: CeGaT Center For Human Genetics Tuebingen Variant Classification Criteria Version 2. Collection method: clinical testing. Allele origin: germline. Affected: yes. Observed: 2 variant alleles.
Comment: BCOR: BS2

Labcorp Genetics (formerly Invitae), Labcorp
Classification: Benign for Oculofaciocardiodental syndrome. Last evaluated: 2026-01-15. Review status: criteria provided, single submitter. Criteria: Invitae Variant Classification Sherloc (09022015). Collection method: clinical testing. Allele origin: germline.

Laboratory of Genetics, Children's Clinical University Hospital Latvia
Classification: Likely benign. Last evaluated: 2025-02-16. Review status: criteria provided, single submitter. Criteria: ACMG Guidelines, 2015. Collection method: clinical testing. Allele origin: germline. Affected: yes.

PreventionGenetics, part of Exact Sciences
Classification: Likely benign for BCOR-related condition. Last evaluated: 2022-08-18. Review status: no assertion criteria provided. Collection method: clinical testing. Allele origin: germline. Not counted in ClinVar's aggregate classification.
Comment: This variant is classified as likely benign based on ACMG/AMP sequence variant interpretation guidelines (Richards et al. 2015 PMID: 25741868, with internal and published modifications).